The following is an entry in ClinVar:

NM_006506.5(RASA2):c.2226-39_2226-17dup

Gene: RASA2 (RAS p21 protein activator 2; plus strand). Cytogenetic location: 3q23.
Variant type: Duplication.
Coding change: c.2226-39_2226-17dup on transcript NM_006506.5 (MANE Select); 39 bases into the intron before coding-DNA position 2226 through 17 bases into the intron before coding-DNA position 2226, 23 bases duplicated (AATTTGTATAATATCTTTATTTT).
Molecular consequence: intron variant.
Genome position (GRCh38, 1-based): chr3:141,609,381-141,609,403, AATTTGTATAATATCTTTATTTT duplicated. VCF-style (leftmost placement, unchanged base first): chr3-141609380-A-AAATTTGTATAATATCTTTATTTT. GRCh37 (hg19) VCF-style: chr3-141328222-A-AAATTTGTATAATATCTTTATTTT.
Other names: c.2229-39_2229-17dup (NM_001303245.3); c.2238-39_2238-17dup (NM_001303246.3).
Identifiers: ClinVar variation 917809 (VCV000917809.1), dbSNP rs2083600348, ClinGen allele CA1139658285.

ClinVar aggregate classification (germline): Uncertain significance (1 of 4 stars; one submission).

Submission:

Women's Health and Genetics/Laboratory Corporation of America, LabCorp
Classification: Uncertain significance. Last evaluated: 2020-04-27. Review status: criteria provided, single submitter. Criteria: LabCorp Variant Classification Summary - May 2015. Collection method: clinical testing. Allele origin: germline.
Comment: Variant summary: RASA2 c.2226-39_2226-17dup23 alters a nucleotide located close to a canonical splice site and therefore could affect mRNA splicing, leading to a significantly altered protein sequence. 4/4 computational tools predict no significant impact on normal splicing. However, these predictions have yet to be confirmed by functional studies. The variant was absent in 176934 control chromosomes. The available data on variant occurrences in the general population are insufficient to allow any conclusion about variant significance. To our knowledge, no occurrence of c.2226-39_2226-17dup23 in individuals affected with Noonan Syndrome And Related Conditions and no experimental evidence demonstrating its impact on protein function have been reported. No clinical diagnostic laboratories have submitted clinical-significance assessments for this variant to ClinVar after 2014. Based on the evidence outlined above, the variant was classified as uncertain significance.